The following is an entry in ClinVar:

NM_000376.3(VDR):c.1115C>T (p.Pro372Leu)

Gene: VDR (vitamin D receptor; minus strand). Cytogenetic location: 12q13.11.
Variant type: single nucleotide variant.
Coding change: c.1115C>T on transcript NM_000376.3 (MANE Select); coding-DNA position 1115, C replaced by T.
Protein change: p.Pro372Leu; replaces proline 372 with leucine.
Molecular consequence: missense variant.
Genome position (GRCh38, 1-based): chr12:47,844,915, G>A on the plus strand (C>T on the coding strand, the complement: VDR is on the minus strand). VCF-style: chr12-47844915-G-A. GRCh37 (hg19) VCF-style: chr12-48238698-G-A.
Other names: c.1115C>T, p.Pro372Leu (NM_001017535.2, NM_001364085.2, NM_001374661.1 and 1 more transcripts); c.1265C>T, p.Pro422Leu (NM_001017536.2); short protein forms P372L, P422L.
Identifiers: ClinVar variation 1040776 (VCV001040776.2), dbSNP rs771926584, ClinGen allele CA6533743.

ClinVar aggregate classification (germline): Uncertain significance (1 of 4 stars; one submission).

Allele frequency attached by ClinVar (database versions not stated): gnomAD exomes 0.00001 and 0.00002; TOPMed 0.00001; ExAC 0.00002.
gnomAD v4.1: 22 of 1,614,016 alleles (0.0014%); highest among the groups gnomAD compares: Admixed American, 0.0067%; no homozygotes.

Submission:

Labcorp Genetics (formerly Invitae), Labcorp
Classification: Uncertain significance. Last evaluated: 2021-08-27. Review status: criteria provided, single submitter. Criteria: Invitae Variant Classification Sherloc (09022015). Collection method: clinical testing. Allele origin: germline.
Comment: This sequence change replaces proline with leucine at codon 372 of the VDR protein (p.Pro372Leu). The proline residue is moderately conserved and there is a moderate physicochemical difference between proline and leucine. This variant is present in population databases (rs771926584, ExAC 0.02%). This variant has not been reported in the literature in individuals affected with VDR-related conditions. Algorithms developed to predict the effect of missense changes on protein structure and function are either unavailable or do not agree on the potential impact of this missense change (SIFT: "Deleterious"; PolyPhen-2: "Benign"; Align-GVGD: "Class C0"). In summary, the available evidence is currently insufficient to determine the role of this variant in disease. Therefore, it has been classified as a Variant of Uncertain Significance.